The following is an entry in ClinVar:

NM_001384474.1(LOXHD1):c.4612G>A (p.Ala1538Thr)

Gene: LOXHD1 (lipoxygenase homology PLAT domains 1; minus strand). Cytogenetic location: 18q21.1.
Variant type: single nucleotide variant.
Coding change: c.4612G>A on transcript NM_001384474.1 (MANE Select); coding-DNA position 4612, G replaced by A.
Protein change: p.Ala1538Thr; replaces alanine 1538 with threonine.
Molecular consequence: missense variant.
Genome position (GRCh38, 1-based): chr18:46,524,836, C>T on the plus strand (G>A on the coding strand, the complement: LOXHD1 is on the minus strand). VCF-style: chr18-46524836-C-T. GRCh37 (hg19) VCF-style: chr18-44104799-C-T.
Other names: c.1279G>A, p.Ala427Thr (NM_001145472.3); c.991G>A, p.Ala331Thr (NM_001308013.2); c.4612G>A, p.Ala1538Thr (NM_144612.7); c.4612G>A (NM_144612.6); short protein forms A1538T, A331T, A427T.
Identifiers: ClinVar variation 2059368 (VCV002059368.22), dbSNP rs576255815, ClinGen allele CA8952319.

ClinVar aggregate classification (germline): Uncertain significance. Review status: criteria provided, multiple submitters, no conflicts (2 of 4 stars). 3 submissions from 3 submitters: Uncertain significance (3). Last evaluated 2025-04-28.

Conditions:
Inborn genetic diseases. Identifiers: MedGen C0950123, MeSH D030342.

Allele frequency attached by ClinVar (database versions not stated): gnomAD 0.00003; TOPMed 0.00005.
gnomAD v4.1: 110 of 1,551,652 alleles (0.0071%); highest among the groups gnomAD compares: East Asian, 0.18%; no homozygotes.

Submissions (3):

Ambry Genetics
Classification: Uncertain significance for Inborn genetic diseases. Last evaluated: 2025-04-28. Review status: criteria provided, single submitter. Criteria: Ambry Variant Classification Scheme 2023. Collection method: clinical testing. Allele origin: germline.

CeGaT Center for Human Genetics Tuebingen
Classification: Uncertain significance. Last evaluated: 2024-03-01. Review status: criteria provided, single submitter. Criteria: CeGaT Center For Human Genetics Tuebingen Variant Classification Criteria Version 2. Collection method: clinical testing. Allele origin: germline. Affected: yes. Observed: 1 variant allele.
Comment: LOXHD1: PM2

Labcorp Genetics (formerly Invitae), Labcorp
Classification: Uncertain significance. Last evaluated: 2021-08-28. Review status: criteria provided, single submitter. Criteria: Invitae Variant Classification Sherloc (09022015). Collection method: clinical testing. Allele origin: germline.
Comment: This sequence change replaces alanine with threonine at codon 1538 of the LOXHD1 protein (p.Ala1538Thr). The alanine residue is moderately conserved and there is a small physicochemical difference between alanine and threonine. This variant is present in population databases (rs576255815, ExAC 0.04%). This variant has not been reported in the literature in individuals affected with LOXHD1-related conditions. Algorithms developed to predict the effect of missense changes on protein structure and function are either unavailable or do not agree on the potential impact of this missense change (SIFT: "Deleterious"; PolyPhen-2: "Possibly Damaging"; Align-GVGD: "Class C0"). In summary, the available evidence is currently insufficient to determine the role of this variant in disease. Therefore, it has been classified as a Variant of Uncertain Significance.